The following is an entry in ClinVar:

ClinVar aggregate classification (germline): Pathogenic/Likely pathogenic. Review status: criteria provided, multiple submitters, no conflicts (2 of 4 stars). 2 submissions from 2 submitters: Pathogenic (1); Likely pathogenic (1). Last evaluated 2025-03-11.

Conditions:
Hereditary cancer-predisposing syndrome. Also called: Tumor predisposition; Hereditary Cancer Syndrome; Hereditary neoplastic syndrome; Neoplastic Syndromes, Hereditary. Identifiers: Orphanet 140162, MedGen C0027672, MeSH D009386, MONDO:0015356.

Allele frequency attached by ClinVar (database versions not stated): TOPMed below 0.00001.

Submissions (2):

Ambry Genetics
Classification: Likely pathogenic for Hereditary cancer-predisposing syndrome. Last evaluated: 2025-03-11. Review status: criteria provided, single submitter. Criteria: Ambry Variant Classification Scheme 2023. Collection method: clinical testing. Allele origin: germline.
Comment: The c.813dupT variant, located in coding exon 5 of the NTHL1 gene, results from a duplication of T at nucleotide position 813, causing a translational frameshift with a predicted alternate stop codon (p.R272*). This alteration occurs at the 3' terminus of theNTHL1 gene, is not expected to trigger nonsense-mediated mRNA decay, and impacts the last 13% of the protein. However, premature stop codons are typically deleterious in nature and a significant portion of the protein is affected (Ambry internal data). This variant is considered to be rare based on population cohorts in the Genome Aggregation Database (gnomAD). Based on the majority of available evidence to date, this variant is likely to be pathogenic.

Labcorp Genetics (formerly Invitae), Labcorp
Classification: Pathogenic. Last evaluated: 2023-02-27. Review status: criteria provided, single submitter. Criteria: Invitae Variant Classification Sherloc (09022015). Collection method: clinical testing. Allele origin: germline.
Comment: This variant has not been reported in the literature in individuals affected with NTHL1-related conditions. This sequence change creates a premature translational stop signal (p.Arg272*) in the NTHL1 gene. While this is not anticipated to result in nonsense mediated decay, it is expected to disrupt the last 41 amino acid(s) of the NTHL1 protein. This variant is not present in population databases (gnomAD no frequency). ClinVar contains an entry for this variant (Variation ID: 1469885). This variant disrupts a region of the NTHL1 protein in which other variant(s) ( p.Gln287*) have been determined to be pathogenic (PMID: 27329137, 28912133, 30753826; Invitae). This suggests that this is a clinically significant region of the protein, and that variants that disrupt it are likely to be disease-causing. For these reasons, this variant has been classified as Pathogenic.

Literature cited by the submitters: PubMed 27329137 (cited by Labcorp Genetics (formerly Invitae), Labcorp); PubMed 28912133 (cited by Labcorp Genetics (formerly Invitae), Labcorp); PubMed 30753826 (cited by Labcorp Genetics (formerly Invitae), Labcorp).

NM_002528.7(NTHL1):c.789dup (p.Arg264Ter)

Gene: NTHL1 (nth like DNA glycosylase 1; minus strand). Cytogenetic location: 16p13.3.
Variant type: Duplication.
Coding change: c.789dup on transcript NM_002528.7 (MANE Select); coding-DNA position 789, one base duplicated (T; older notation c.789dupT).
Protein change: p.Arg264Ter; replaces arginine 264 with a stop codon.
Molecular consequence: nonsense.
Genome position (GRCh38, 1-based): chr16:2,040,135, A duplicated on the plus strand (T on the coding strand, the reverse complement: NTHL1 is on the minus strand). VCF-style (leftmost placement, unchanged base first): chr16-2040134-T-TA. GRCh37 (hg19) VCF-style: chr16-2090135-T-TA.
Other names: c.618dup, p.Arg207Ter (NM_001318193.2); c.459dup, p.Arg154Ter (NM_001318194.2); c.813dupT (NM_002528.5); short protein forms R207*, R264*, R154*.
Identifiers: ClinVar variation 1469885 (VCV001469885.7), dbSNP rs2084241184, ClinGen allele CA973775161.